The following is an entry in ClinVar:

ClinVar aggregate classification (germline): Conflicting classifications of pathogenicity. Review status: criteria provided, conflicting classifications (1 of 4 stars). 4 submissions from 3 submitters: Uncertain significance (2); Likely benign (2). Last evaluated 2025-12-20.

Conditions:
Macular degeneration. Also called: Degenerative disorder of macula. Identifiers: MedGen C0024437, MONDO:0003004, HP:0000608.
Inborn genetic diseases. Identifiers: MedGen C0950123, MeSH D030342.
Atypical hemolytic-uremic syndrome with B factor anomaly. Also called: HEMOLYTIC UREMIC SYNDROME, ATYPICAL, SUSCEPTIBILITY TO, 4; AHUS, SUSCEPTIBILITY TO, 4. Identifiers: Orphanet 2134, MedGen C2752038, MONDO:0013042, OMIM 612924.

Allele frequency attached by ClinVar (database versions not stated): ExAC 0.00004; gnomAD exomes 0.00004 and 0.00007; TOPMed 0.00004.

Submissions (4):

Labcorp Genetics (formerly Invitae), Labcorp
Classification: Likely benign. Last evaluated: 2025-12-20. Review status: criteria provided, single submitter. Criteria: Invitae Variant Classification Sherloc (09022015). Collection method: clinical testing. Allele origin: germline.

Ambry Genetics
Classification: Uncertain significance for Inborn genetic diseases. Last evaluated: 2023-10-13. Review status: criteria provided, single submitter. Criteria: Ambry Variant Classification Scheme 2023. Collection method: clinical testing. Allele origin: germline.

Illumina Laboratory Services, Illumina
Classification: Uncertain significance for Macular degeneration. Last evaluated: 2018-01-12. Review status: criteria provided, single submitter. Criteria: ICSL Variant Classification Criteria 13 December 2019. Collection method: clinical testing. Allele origin: germline.

Illumina Laboratory Services, Illumina
Classification: Likely benign for Atypical hemolytic-uremic syndrome with B factor anomaly. Last evaluated: 2018-01-12. Review status: criteria provided, single submitter. Criteria: ICSL Variant Classification Criteria 13 December 2019. Collection method: clinical testing. Allele origin: germline.
Comment: This variant was observed in the ICSL laboratory as part of a predisposition screen in an ostensibly healthy population. It had not been previously curated by ICSL or reported in the Human Gene Mutation Database (HGMD: prior to June 1st, 2018), and was therefore a candidate for classification through an automated scoring system. Utilizing variant allele frequency, disease prevalence and penetrance estimates, and inheritance mode, an automated score was calculated to assess if this variant is too frequent to cause the disease. Based on the score and internal cut-off values, a variant classified as likely benign is not then subjected to further curation. The score for this variant resulted in a classification of likely benign for this disease.

NM_001710.6(CFB):c.1838C>T (p.Thr613Ile)

Gene: CFB (complement factor B; plus strand). Cytogenetic location: 6p21.33.
Variant type: single nucleotide variant.
Coding change: c.1838C>T on transcript NM_001710.6 (MANE Select); coding-DNA position 1838, C replaced by T.
Protein change: p.Thr613Ile; replaces threonine 613 with isoleucine.
Molecular consequence: missense variant.
Genome position (GRCh38, 1-based): chr6:31,950,927, C>T. VCF-style: chr6-31950927-C-T. GRCh37 (hg19) VCF-style: chr6-31918704-C-T.
Other names: short protein forms T613I.
Identifiers: ClinVar variation 907233 (VCV000907233.12), dbSNP rs201754399, ClinGen allele CA3728463.